The following is an entry in ClinVar:

ClinVar aggregate classification (germline): Uncertain significance. Review status: criteria provided, multiple submitters, no conflicts (2 of 4 stars). 2 submissions from 2 submitters: Uncertain significance (2). Last evaluated 2023-11-21.

Conditions:
Hereditary cancer-predisposing syndrome. Also called: Hereditary Cancer Syndrome; Hereditary neoplastic syndrome; Tumor predisposition; Neoplastic Syndromes, Hereditary. Identifiers: Orphanet 140162, MedGen C0027672, MeSH D009386, MONDO:0015356.

Allele frequency attached by ClinVar (database versions not stated): gnomAD exomes below 0.00001.
gnomAD v4.1: 3 of 1,614,098 alleles (0.00019%); highest among the groups gnomAD compares: Non-Finnish European, 0.00025%; no homozygotes.

Submissions (2):

Ambry Genetics
Classification: Uncertain significance for Hereditary cancer-predisposing syndrome. Last evaluated: 2023-11-21. Review status: criteria provided, single submitter. Criteria: Ambry Variant Classification Scheme 2023. Collection method: clinical testing. Allele origin: germline.
Comment: The p.N75D variant (also known as c.223A>G), located in coding exon 2 of the SMARCB1 gene, results from an A to G substitution at nucleotide position 223. The asparagine at codon 75 is replaced by aspartic acid, an amino acid with highly similar properties. This amino acid position is well conserved in available vertebrate species. In addition, this alteration is predicted to be tolerated by in silico analysis. Missense and in-frame variants in SMARCB1 are known to cause neurodevelopmental disorders; however, such associations with rhabdoid tumor predisposition syndrome are exceedingly rare (Kosho T et al. Am J Med Genet C Semin Med Genet. 2014 Sep;166C(3):262-75; Eaton KW et al. Pediatr Blood Cancer. 2011 Jan;56(1):7-15). Based on the supporting evidence, the association of this alteration with Coffin-Siris syndrome is unknown; however, the association of this alteration with SMARCB1-related tumor predisposition syndrome is unlikely.

Labcorp Genetics (formerly Invitae), Labcorp
Classification: Uncertain significance. Last evaluated: 2021-06-08. Review status: criteria provided, single submitter. Criteria: Invitae Variant Classification Sherloc (09022015). Collection method: clinical testing. Allele origin: germline.
Comment: This sequence change replaces asparagine with aspartic acid at codon 75 of the SMARCB1 protein (p.Asn75Asp). The asparagine residue is weakly conserved and there is a small physicochemical difference between asparagine and aspartic acid. This variant is not present in population databases (ExAC no frequency). This variant has not been reported in the literature in individuals with SMARCB1-related conditions. Algorithms developed to predict the effect of missense changes on protein structure and function (SIFT, PolyPhen-2, Align-GVGD) all suggest that this variant is likely to be tolerated, but these predictions have not been confirmed by published functional studies and their clinical significance is uncertain. In summary, the available evidence is currently insufficient to determine the role of this variant in disease. Therefore, it has been classified as a Variant of Uncertain Significance.

NM_003073.5(SMARCB1):c.223A>G (p.Asn75Asp)

Gene: SMARCB1 (SWI/SNF related BAF chromatin remodeling complex subunit B1; plus strand). Cytogenetic location: 22q11.23.
Variant type: single nucleotide variant.
Coding change: c.223A>G on transcript NM_003073.5 (MANE Select); coding-DNA position 223, A replaced by G.
Protein change: p.Asn75Asp; replaces asparagine 75 with aspartic acid.
Molecular consequence: missense variant. On other transcripts: intron variant (2).
Genome position (GRCh38, 1-based): chr22:23,791,885, A>G. VCF-style: chr22-23791885-A-G. GRCh37 (hg19) VCF-style: chr22-24134072-A-G.
Other names: c.223A>G, p.Asn75Asp (NM_001362877.2); c.205+18A>G (NM_001317946.2, NM_001007468.3); c.223A>G (NM_003073.3); short protein forms N75D.
Identifiers: ClinVar variation 1399258 (VCV001399258.9), dbSNP rs2145960610, ClinGen allele CA410933208.